The following is an entry in ClinVar:

ClinVar aggregate classification (germline): Uncertain significance. Review status: criteria provided, multiple submitters, no conflicts (2 of 4 stars). 2 submissions from 2 submitters: Uncertain significance (2). Last evaluated 2025-05-18.

Conditions:
Hereditary cancer-predisposing syndrome. Also called: Neoplastic Syndromes, Hereditary; Tumor predisposition; Hereditary neoplastic syndrome; Hereditary Cancer Syndrome. Identifiers: Orphanet 140162, MedGen C0027672, MeSH D009386, MONDO:0015356.
Hereditary breast ovarian cancer syndrome. Also called: Hereditary breast and/or ovarian cancer syndrome; BRCA1- and BRCA2-Associated Hereditary Breast and Ovarian Cancer; Hereditary breast and ovarian cancer syndrome; Hereditary breast and ovarian cancer; Hereditary breast and ovarian cancer syndrome (HBOC); Breast and ovarian cancer. Identifiers: Orphanet 145, MedGen C0677776, MeSH D061325, MONDO:0003582. Disease mechanism: loss of function.

Submissions (2):

Ambry Genetics
Classification: Uncertain significance for Hereditary cancer-predisposing syndrome. Last evaluated: 2025-05-18. Review status: criteria provided, single submitter. Criteria: Ambry Variant Classification Scheme 2023. Collection method: clinical testing. Allele origin: germline.
Comment: The p.H543D variant (also known as c.1627C>G), located in coding exon 9 of the BRCA2 gene, results from a C to G substitution at nucleotide position 1627. The histidine at codon 543 is replaced by aspartic acid, an amino acid with similar properties. This amino acid position is conserved. In addition, this alteration is predicted to be tolerated by in silico analysis. Since supporting evidence is limited at this time, the clinical significance of this alteration remains unclear.

Labcorp Genetics (formerly Invitae), Labcorp
Classification: Uncertain significance for Hereditary breast ovarian cancer syndrome. Last evaluated: 2024-05-20. Review status: criteria provided, single submitter. Criteria: Invitae Variant Classification Sherloc (09022015). Collection method: clinical testing. Allele origin: germline.
Comment: This sequence change replaces histidine, which is basic and polar, with aspartic acid, which is acidic and polar, at codon 543 of the BRCA2 protein (p.His543Asp). This variant is not present in population databases (gnomAD no frequency). This variant has not been reported in the literature in individuals affected with BRCA2-related conditions. ClinVar contains an entry for this variant (Variation ID: 2451496). Advanced modeling of protein sequence and biophysical properties (such as structural, functional, and spatial information, amino acid conservation, physicochemical variation, residue mobility, and thermodynamic stability) performed at Invitae indicates that this missense variant is not expected to disrupt BRCA2 protein function with a negative predictive value of 95%. In summary, the available evidence is currently insufficient to determine the role of this variant in disease. Therefore, it has been classified as a Variant of Uncertain Significance.

NM_000059.4(BRCA2):c.1627C>G (p.His543Asp)

Gene: BRCA2 (BRCA2 DNA repair associated; plus strand). Cytogenetic location: 13q13.1.
Variant type: single nucleotide variant.
Coding change: c.1627C>G on transcript NM_000059.4 (MANE Select); coding-DNA position 1627, C replaced by G.
Protein change: p.His543Asp; replaces histidine 543 with aspartic acid.
Molecular consequence: missense variant. On other transcripts: non-coding transcript variant (1), intron variant (1).
Genome position (GRCh38, 1-based): chr13:32,333,105, C>G. VCF-style: chr13-32333105-C-G. GRCh37 (hg19) VCF-style: chr13-32907242-C-G.
Other names: c.1627C>G, p.His543Asp (NM_001406719.1, NM_001406720.1, NM_001406721.1); c.424+2075C>G (NM_001406722.1); short protein forms H543D.
Identifiers: ClinVar variation 2451496 (VCV002451496.6), dbSNP rs80358446, ClinGen allele CA387764919.